The following is an entry in ClinVar:

ClinVar aggregate classification (germline): Uncertain significance (1 of 4 stars; one submission).

Submission:

GeneDx
Classification: Uncertain significance. Last evaluated: 2022-02-18. Review status: criteria provided, single submitter. Criteria: GeneDx Variant Classification Process June 2021. Collection method: clinical testing. Allele origin: germline. Affected: yes.
Comment: Not observed at significant frequency in large population cohorts (gnomAD); In silico analysis supports that this missense variant has a deleterious effect on protein structure/function; Has not been previously published as pathogenic or benign to our knowledge

NM_198503.5(KCNT2):c.2266T>G (p.Leu756Val)

Gene: KCNT2 (potassium sodium-activated channel subfamily T member 2; minus strand). Cytogenetic location: 1q31.3.
Variant type: single nucleotide variant.
Coding change: c.2266T>G on transcript NM_198503.5 (MANE Select); coding-DNA position 2266, T replaced by G.
Protein change: p.Leu756Val; replaces leucine 756 with valine.
Molecular consequence: missense variant. On other transcripts: non-coding transcript variant (2).
Genome position (GRCh38, 1-based): chr1:196,326,727, A>C on the plus strand (T>G on the coding strand, the complement: KCNT2 is on the minus strand). VCF-style: chr1-196326727-A-C. GRCh37 (hg19) VCF-style: chr1-196295857-A-C.
Other names: c.2266T>G, p.Leu756Val (NM_001287819.3); c.2116T>G, p.Leu706Val (NM_001287820.3); short protein forms L706V, L756V.
Identifiers: ClinVar variation 1703445 (VCV001703445.2), dbSNP rs115074661, ClinGen allele CA343976406.